The following is an entry in ClinVar:

ClinVar aggregate classification (germline): Uncertain significance (1 of 4 stars; one submission).

Conditions:
Dilated cardiomyopathy 1Z (CMD1Z). Identifiers: Orphanet 154, MedGen C2678475, MONDO:0012745, OMIM 611879.
Hypertrophic cardiomyopathy 13. Also called: TNNC1-Related Familial Hypertrophic Cardiomyopathy. Identifiers: MedGen C2750472, MONDO:0013195, OMIM 613243.

Submission:

Labcorp Genetics (formerly Invitae), Labcorp
Classification: Uncertain significance for Hypertrophic cardiomyopathy 13; Dilated cardiomyopathy 1Z. Last evaluated: 2024-04-29. Review status: criteria provided, single submitter. Criteria: Invitae Variant Classification Sherloc (09022015). Collection method: clinical testing. Allele origin: germline.
Comment: This sequence change creates a premature translational stop signal (p.Gly30Alafs*15) in the TNNC1 gene. It is expected to result in an absent or disrupted protein product. However, the current clinical and genetic evidence is not sufficient to establish whether loss-of-function variants in TNNC1 cause disease. This variant is not present in population databases (gnomAD no frequency). This variant has not been reported in the literature in individuals affected with TNNC1-related conditions. In summary, the available evidence is currently insufficient to determine the role of this variant in disease. Therefore, it has been classified as a Variant of Uncertain Significance.

NM_003280.3(TNNC1):c.89del (p.Gly30fs)

Gene: TNNC1 (troponin C1, slow skeletal and cardiac type; minus strand). Cytogenetic location: 3p21.1.
Variant type: Deletion.
Coding change: c.89del on transcript NM_003280.3 (MANE Select); coding-DNA position 89, one base deleted (G; older notation c.89delG).
Protein change: p.Gly30fs; shifts the reading frame from glycine 30.
Molecular consequence: frameshift variant.
Genome position (GRCh38, 1-based): chr3:52,452,219, C deleted on the plus strand (G on the coding strand, the reverse complement: TNNC1 is on the minus strand); the first of 3 consecutive C bases (chr3:52,452,219-52,452,221); deleting any one gives the same sequence. VCF-style (leftmost placement, unchanged base first): chr3-52452218-GC-G. GRCh37 (hg19) VCF-style: chr3-52486234-GC-G.
Other names: short protein forms G30fs.
Identifiers: ClinVar variation 3747921 (VCV003747921.2).